The following is an entry in ClinVar:

ClinVar aggregate classification (germline): Uncertain significance (1 of 4 stars; one submission).

Conditions:
Ullrich congenital muscular dystrophy 2 (UCMD2). Identifiers: Orphanet 75840, MedGen C4225314, MONDO:0014654, OMIM 616470.
Bethlem myopathy 2 (BTHLM2). Identifiers: Orphanet 536516, Orphanet 610, MedGen C4225313, MONDO:0034022, OMIM 616471.

gnomAD v4.1: 9 of 1,613,022 alleles (0.00056%); highest among the groups gnomAD compares: Non-Finnish European, 0.00076%; no homozygotes.

Submission:

Labcorp Genetics (formerly Invitae), Labcorp
Classification: Uncertain significance for Bethlem myopathy 2; Ullrich congenital muscular dystrophy 2. Last evaluated: 2023-05-28. Review status: criteria provided, single submitter. Criteria: Invitae Variant Classification Sherloc (09022015). Collection method: clinical testing. Allele origin: germline.
Comment: In summary, the available evidence is currently insufficient to determine the role of this variant in disease. Therefore, it has been classified as a Variant of Uncertain Significance. Advanced modeling of protein sequence and biophysical properties (such as structural, functional, and spatial information, amino acid conservation, physicochemical variation, residue mobility, and thermodynamic stability) has been performed at Invitae for this missense variant, however the output from this modeling did not meet the statistical confidence thresholds required to predict the impact of this variant on COL12A1 protein function. This variant has not been reported in the literature in individuals affected with COL12A1-related conditions. This variant is not present in population databases (gnomAD no frequency). This sequence change replaces valine, which is neutral and non-polar, with leucine, which is neutral and non-polar, at codon 142 of the COL12A1 protein (p.Val142Leu).

NM_004370.6(COL12A1):c.424G>C (p.Val142Leu)

Gene: COL12A1 (collagen type XII alpha 1 chain; minus strand). Cytogenetic location: 6q13.
Variant type: single nucleotide variant.
Coding change: c.424G>C on transcript NM_004370.6 (MANE Select); coding-DNA position 424, G replaced by C.
Protein change: p.Val142Leu; replaces valine 142 with leucine.
Molecular consequence: missense variant. On other transcripts: intron variant (2).
Genome position (GRCh38, 1-based): chr6:75,189,786, C>G on the plus strand (G>C on the coding strand, the complement: COL12A1 is on the minus strand). VCF-style: chr6-75189786-C-G. GRCh37 (hg19) VCF-style: chr6-75899502-C-G.
Other names: c.424G>C, p.Val142Leu (NM_001424113.1, NM_001424114.1, NM_001424115.1); c.73+12934G>C (NM_001424116.1, NM_080645.3); short protein forms V142L.
Identifiers: ClinVar variation 2926551 (VCV002926551.3), dbSNP rs772461470, ClinGen allele CA141002127.